The following is an entry in ClinVar:

ClinVar aggregate classification (germline): Uncertain significance (1 of 4 stars; one submission).

Conditions:
Nephronophthisis 14 (NPHP14). Identifiers: Orphanet 2318, MedGen C3539071, MONDO:0013916, OMIM 614844.

Allele frequency attached by ClinVar (database versions not stated): gnomAD 0.00001; TOPMed 0.00001.
gnomAD v4.1: 5 of 1,614,056 alleles (0.00031%); highest among the groups gnomAD compares: Non-Finnish European, 0.00042%; no homozygotes.

Submission:

Labcorp Genetics (formerly Invitae), Labcorp
Classification: Uncertain significance for Nephronophthisis 14. Last evaluated: 2022-07-15. Review status: criteria provided, single submitter. Criteria: Invitae Variant Classification Sherloc (09022015). Collection method: clinical testing. Allele origin: germline.
Comment: This sequence change replaces phenylalanine, which is neutral and non-polar, with leucine, which is neutral and non-polar, at codon 489 of the ZNF423 protein (p.Phe489Leu). This variant is not present in population databases (gnomAD no frequency). This variant has not been reported in the literature in individuals affected with ZNF423-related conditions. Algorithms developed to predict the effect of missense changes on protein structure and function (SIFT, PolyPhen-2, Align-GVGD) all suggest that this variant is likely to be tolerated. In summary, the available evidence is currently insufficient to determine the role of this variant in disease. Therefore, it has been classified as a Variant of Uncertain Significance.

NM_001379286.1(ZNF423):c.1489T>C (p.Phe497Leu)

Gene: ZNF423 (zinc finger protein 423; minus strand). Cytogenetic location: 16q12.1.
Variant type: single nucleotide variant.
Coding change: c.1489T>C on transcript NM_001379286.1 (MANE Select); coding-DNA position 1489, T replaced by C.
Protein change: p.Phe497Leu; replaces phenylalanine 497 with leucine.
Molecular consequence: missense variant.
Genome position (GRCh38, 1-based): chr16:49,637,687, A>G on the plus strand (T>C on the coding strand, the complement: ZNF423 is on the minus strand). VCF-style: chr16-49637687-A-G. GRCh37 (hg19) VCF-style: chr16-49671598-A-G.
Other names: c.1285T>C, p.Phe429Leu (NM_001271620.2); c.1114T>C, p.Phe372Leu (NM_001330533.2); c.1465T>C, p.Phe489Leu (NM_015069.5); short protein forms F489L, F429L, F372L, F497L.
Identifiers: ClinVar variation 1901564 (VCV001901564.2), dbSNP rs903314565, ClinGen allele CA281212662.
Genomic context (GRCh38, chr16:49,637,687, plus strand): 5'-TGGCGTTGGGGCCGCAGTGGGAGACGCGGATGTGCTCCTGCAGGCTATTGATGTCGGCGA[A>G]CATCTCGGGGCAGTAGTTGCAGTGGAAGGCAGAGATGTTGCCAAACTGCATCACAGGGTA-3'
Protein context (NP_001366215.1, residues 487-507): AFHCNYCPEM[Phe497Leu]ADINSLQEHI